The following is an entry in ClinVar:

ClinVar aggregate classification (germline): Uncertain significance (1 of 4 stars; one submission).

Conditions:
Achondrogenesis, type IA (ACG1A). Identifiers: Orphanet 932, Orphanet 93299, MedGen C0265273, MONDO:0008701, OMIM 200600.

Allele frequency attached by ClinVar (database versions not stated): TOPMed below 0.00001.
gnomAD v4.1: 4 of 1,614,138 alleles (0.00025%); highest among the groups gnomAD compares: Middle Eastern, 0.016%; no homozygotes.

Submission:

Labcorp Genetics (formerly Invitae), Labcorp
Classification: Uncertain significance for Achondrogenesis, type IA. Last evaluated: 2024-04-22. Review status: criteria provided, single submitter. Criteria: Invitae Variant Classification Sherloc (09022015). Collection method: clinical testing. Allele origin: germline.
Comment: This sequence change replaces valine, which is neutral and non-polar, with leucine, which is neutral and non-polar, at codon 1444 of the TRIP11 protein (p.Val1444Leu). This variant is present in population databases (rs779575181, gnomAD 0.0009%). This variant has not been reported in the literature in individuals affected with TRIP11-related conditions. ClinVar contains an entry for this variant (Variation ID: 951564). Advanced modeling of protein sequence and biophysical properties (such as structural, functional, and spatial information, amino acid conservation, physicochemical variation, residue mobility, and thermodynamic stability) performed at Invitae indicates that this missense variant is not expected to disrupt TRIP11 protein function with a negative predictive value of 80%. In summary, the available evidence is currently insufficient to determine the role of this variant in disease. Therefore, it has been classified as a Variant of Uncertain Significance.

NM_004239.4(TRIP11):c.4330G>C (p.Val1444Leu)

Gene: TRIP11 (thyroid hormone receptor interactor 11; minus strand). Cytogenetic location: 14q32.12.
Variant type: single nucleotide variant.
Coding change: c.4330G>C on transcript NM_004239.4 (MANE Select); coding-DNA position 4330, G replaced by C.
Protein change: p.Val1444Leu; replaces valine 1444 with leucine.
Molecular consequence: missense variant.
Genome position (GRCh38, 1-based): chr14:92,003,646, C>G on the plus strand (G>C on the coding strand, the complement: TRIP11 is on the minus strand). VCF-style: chr14-92003646-C-G. GRCh37 (hg19) VCF-style: chr14-92469990-C-G.
Other names: c.4327G>C, p.Val1443Leu (NM_001321851.1); short protein forms V1443L, V1444L.
Identifiers: ClinVar variation 951564 (VCV000951564.9), dbSNP rs779575181, ClinGen allele CA7313479.